The following continues an entry in ClinVar:

NM_007373.4(SHOC2):c.4A>G (p.Ser2Gly)

Gene: SHOC2. ClinVar aggregate classification (germline): Pathogenic. Pathogenic (1).

Submissions 22 to 39 of 51:

Dubai Health Genomic Medicine Center, Dubai Health
Classification: Pathogenic for Noonan syndrome-like disorder with loose anagen hair 1. Last evaluated: 2021-02-18. Review status: criteria provided, single submitter. Criteria: ACMG Guidelines, 2015. Collection method: clinical testing. Allele origin: germline. Affected: yes. Not counted in ClinVar's aggregate classification.
Comment: The p.Ser2Gly missense variant in SHOC2 has been previously reported as a confirmed de novo occurrence in multiple patients with clinical features of a RASopathy (PMIDs: 19684605 21548061 23918763 22528146). In vitro functional studies provide some evidence that the p.Ser2Gly variant may impact protein function (PMID:19684605). This variant was identified in 1/31384 individuals in the Genome Aggregation Database (gnomAD). The variant is located in the SHOC2 gene which has been defined by the ClinGen RASopathy Expert Panel as a gene with a low rate of benign missense variants and pathogenic missense variants are common (PMID: 29493581). Finally this variant has been classified as pathogenic by several clinical laboratories and by the FDA recognized ClinGen RASopathy Expert Panel (ClinVar ID: 6821). In summary this variant meets our criteria to be classified as pathogenic.

Baylor Genetics
Classification: Pathogenic for Noonan syndrome-like disorder with loose anagen hair 1. Last evaluated: 2021-02-16. Review status: criteria provided, single submitter. Criteria: ACMG Guidelines, 2015. Collection method: clinical testing. Allele origin: unknown. Not counted in ClinVar's aggregate classification.

CENTOGENE GmbH and LLC - Guiding Precision Medicine
Classification: Pathogenic for Noonan syndrome-like disorder with loose anagen hair 1. Last evaluated: 2021-01-13. Review status: criteria provided, single submitter. Criteria: ACMG Guidelines, 2015. Collection method: clinical testing. Allele origin: de novo. Affected: yes. Not counted in ClinVar's aggregate classification.

Genome Diagnostics Laboratory, The Hospital for Sick Children
Classification: Pathogenic for Noonan syndrome and Noonan-related syndrome. Last evaluated: 2021-01-08. Review status: criteria provided, single submitter. Criteria: ACMG Guidelines, 2015. Collection method: clinical testing. Allele origin: germline. Affected: yes. Not counted in ClinVar's aggregate classification.

Institute of Medical Genetics and Applied Genomics, University Hospital Tübingen
Classification: Pathogenic. Last evaluated: 2020-10-23. Review status: criteria provided, single submitter. Criteria: ACMG Guidelines, 2015. Collection method: clinical testing. Allele origin: germline. Inheritance: Autosomal dominant inheritance. Affected: yes. Not counted in ClinVar's aggregate classification.

GeneDx
Classification: Pathogenic. Last evaluated: 2020-05-18. Review status: criteria provided, single submitter. Criteria: GeneDx Variant Classification Process June 2021. Collection method: clinical testing. Allele origin: germline. Affected: yes. Not counted in ClinVar's aggregate classification.
Comment: Located in the critical functional domain S2 and inhibits SHOC2 function by impairing proper cellular localization of the protein (Galperin et al., 2012); In silico analysis, which includes protein predictors and evolutionary conservation, supports that this variant does not alter protein structure/function; This variant is associated with the following publications: (PMID: 25858597, 22419608, 26350204, 24803665, 31501239, 19684605, 22606262, 25846317, 25563136, 21548061, 24033266, 25326637, 24458596, 24458587, 25331583, 23918763, 25123707, 26096762, 22528146, 26607044, 26519477, 20882035, 22995099, 28680615, 28554332, 24124081, 29737035, 29948256, 30732632, 30240112, 30417923, 30050098, 29907801, 31219622, 30962759, 31584751, 31628766, 31019026, 32005694, 33318624, 34008892, 33300679, 33502061, 32978145, 33240318, 32870709, 34006472, 31785789)

Athena Diagnostics
Classification: Pathogenic. Last evaluated: 2020-05-15. Review status: criteria provided, single submitter. Criteria: Athena Diagnostics Criteria. Collection method: clinical testing. Allele origin: unknown. Not counted in ClinVar's aggregate classification.
Comment: This variant has been confirmed to occur de novo in multiple individuals with clinical features associated with this gene (PMID: 19684605, 25846317, 25331583, 25123707). The frequency of this variant in the general population is consistent with pathogenicity. Assessment of experimental evidence suggests this variant results in abnormal protein function (PMID: 19684605, 22606262).This observation is not an independent occurrence and has been identified in the same individual by RCIGM, the other laboratory participating in the GEMINI study.

Women's Health and Genetics/Laboratory Corporation of America, LabCorp
Classification: Pathogenic for Rasopathy. Last evaluated: 2019-10-26. Review status: criteria provided, single submitter. Criteria: LabCorp Variant Classification Summary - May 2015. Collection method: clinical testing. Allele origin: germline. Not counted in ClinVar's aggregate classification.
Comment: Variant summary: SHOC2 c.4A>G (p.Ser2Gly) results in a non-conservative amino acid change in the encoded protein sequence, located in the N-terminal region. Four of five in-silico tools predict a damaging effect of the variant on protein function. The variant was absent in 248040 control chromosomes. The variant has been reported in literature as one of the most recurrent mutations found in patients with NS or NS-related disorders. It is predominantly found in patients with Noonan-like syndrome with loose anagen hair. The variant was proven to be de novo in multiple patients strongly supporting its pathogenicity. From functional studies this variant was found to introduce an N-myristoylation site, resulting in aberrant targeting of SHOC2 to the plasma membrane and impaired translocation to the nucleus upon growth factor stimulation. Expression of SHOC2-S2G in vitro enhanced MAPK activation in a cell type specific fashion. Induction of SHOC2-S2G in Caenorhabditis elegans engendered protruding vulva, a neomorphic phenotype associated with aberrant signaling (Cordeddu_2009). In other functional study, the SHOC2-S2G mutant did not rescue ERK1/2 activation in Shoc2-depleted cells and the mutant was not located in late endosomes, however it was present on the plasma membrane and early endosomes (Galperin_2012). 13 clinical diagnostic laboratories (including one expert panel) have submitted clinical-significance assessments for this variant to ClinVar after 2014 without evidence for independent evaluation. All laboratories classified the variant as pathogenic/likely pathogenic. Based on the evidence outlined above, the variant was classified as pathogenic.

Mayo Clinic Laboratories, Mayo Clinic
Classification: Pathogenic. Last evaluated: 2019-09-09. Review status: criteria provided, single submitter. Criteria: ACMG Guidelines, 2015. Collection method: clinical testing. Allele origin: germline. Observed: 1 variant allele. Not counted in ClinVar's aggregate classification.
Comment: PS2, PS3, PS4, PM6_Strong, PM1, PP2

Centre for Mendelian Genomics, University Medical Centre Ljubljana
Classification: Pathogenic for Noonan syndrome-like disorder with loose anagen hair 1. Last evaluated: 2018-11-21. Review status: criteria provided, single submitter. Criteria: ACMG Guidelines, 2015. Collection method: clinical testing. Allele origin: unknown. Affected: yes. Not counted in ClinVar's aggregate classification.
Comment: This variant was classified as: Pathogenic. The following ACMG criteria were applied in classifying this variant: PS3,PM2,PP2,PP3,PP4,PP5.

Laboratory of Molecular Genetics (Pr. Bezieau's lab), CHU de Nantes
Classification: Pathogenic. Last evaluated: 2018-07-19. Review status: criteria provided, single submitter. Criteria: ACMG Guidelines, 2015. Collection method: clinical testing. Allele origin: germline. Affected: yes. Not counted in ClinVar's aggregate classification.

Rady Children's Institute for Genomic Medicine, Rady Children's Hospital San Diego
Classification: Pathogenic for NOONAN SYNDROME-LIKE DISORDER WITH LOOSE ANAGEN HAIR. Last evaluated: 2018-02-22. Review status: criteria provided, single submitter. Criteria: ACMG Guidelines, 2015. Collection method: clinical testing. Allele origin: germline. Affected: yes. Observed: 1 variant allele. Not counted in ClinVar's aggregate classification.
Comment: This variant has been previously reported as a de novo change in multiple unrelated patients with Noonan-like syndrome with loose anagen hair (PMID: 19684605, 25331583). This variant has been classified in ClinVar as pathogenic by the ClinGen Rasopathy Expert Panel and by several clinical diagnostic laboratories. It is present in one heterozygote in the gnomAD population database and thus is presumed to be rare. Analysis of the parental samples was negative for the variant, indicating this variant likely occurred as a de novo event. Based on the available evidence, this variant is classified as pathogenic.

Fulgent Genetics
Classification: Pathogenic for Noonan syndrome-like disorder with loose anagen hair 1. Last evaluated: 2017-05-18. Review status: criteria provided, single submitter. Criteria: ACMG Guidelines, 2015. Collection method: clinical testing. Allele origin: unknown. Not counted in ClinVar's aggregate classification.

Molecular Diagnostics Lab, Nemours Children's Health, Delaware
Classification: Likely pathogenic for Noonan syndrome-like disorder with loose anagen hair 1. Last evaluated: 2015-07-20. Review status: criteria provided, single submitter. Criteria: ACMG Guidelines, 2015. Collection method: clinical testing. Allele origin: unknown. Affected: yes. Observed: 1 variant allele. Not counted in ClinVar's aggregate classification.

Eurofins Ntd Llc (ga)
Classification: Pathogenic. Last evaluated: 2015-06-15. Review status: criteria provided, single submitter. Criteria: EGL Classification Definitions 2015. Collection method: clinical testing. Allele origin: germline. Observed: 3 variant alleles, 3 heterozygotes. Not counted in ClinVar's aggregate classification.

Genetic Services Laboratory, University of Chicago
Classification: Pathogenic for Noonan-like syndrome with loose anagen hair. Last evaluated: 2015-03-13. Review status: criteria provided, single submitter. Criteria: ACMG Guidelines, 2015. Collection method: clinical testing. Allele origin: germline. Affected: yes. Not counted in ClinVar's aggregate classification.

Blueprint Genetics
Classification: Pathogenic for Noonan syndrome. Last evaluated: 2015-01-26. Review status: criteria provided, single submitter. Criteria: Variant Classification. Collection method: clinical testing. Allele origin: germline. Affected: yes. Observed: 2 variant alleles. Not counted in ClinVar's aggregate classification.

Equipe Genetique des Anomalies du Developpement, Université de Bourgogne
Classification: Pathogenic for Noonan syndrome-like disorder with loose anagen hair 1. Last evaluated: 2015-01-01. Review status: criteria provided, single submitter. Criteria: ACMG Guidelines, 2007. Collection method: clinical testing. Allele origin: de novo. Affected: yes. Not counted in ClinVar's aggregate classification.